The following is an entry in ClinVar:

ClinVar aggregate classification (germline): Uncertain significance (1 of 4 stars; one submission).

Submission:

GeneDx
Classification: Uncertain significance. Last evaluated: 2023-07-09. Review status: criteria provided, single submitter. Criteria: GeneDx Variant Classification Process June 2021. Collection method: clinical testing. Allele origin: germline. Affected: yes.
Comment: Not observed at significant frequency in large population cohorts (gnomAD); In-frame insertion of one amino acid in a repetitive region with no known function; Has not been previously published as pathogenic or benign to our knowledge

NM_006236.3(POU3F3):c.106_107insCAG (p.Gly35_Gly36insAla)

Gene: POU3F3 (POU class 3 homeobox 3; plus strand). Cytogenetic location: 2q12.1.
Variant type: Insertion.
Coding change: c.106_107insCAG on transcript NM_006236.3 (MANE Select); coding-DNA positions 106 to 107, CAG inserted.
Protein change: p.Gly35_Gly36insAla.
Genome position: GRCh38 VCF-style: chr2-104855615-C-CGCA. GRCh37 (hg19) VCF-style: chr2-105472073-C-CGCA.
Identifiers: ClinVar variation 3360964 (VCV003360964.1).